The following is an entry in ClinVar:

ClinVar aggregate classification (germline): Uncertain significance (1 of 4 stars; one submission).

Conditions:
ACOX2-related disorder. Also called: ACOX2-related condition.

Allele frequency attached by ClinVar (database versions not stated): gnomAD 0.00001; ExAC 0.00002; TOPMed 0.00002; gnomAD exomes 0.00003; ESP Exome Variant Server 0.00008.
gnomAD v4.1: 48 of 1,614,086 alleles (0.003%); highest among the groups gnomAD compares: Non-Finnish European, 0.0041%; no homozygotes.

Submission:

PreventionGenetics, part of Exact Sciences
Classification: Uncertain significance for ACOX2-related condition. Last evaluated: 2026-07-20. Review status: criteria provided, single submitter. Criteria: ACMG Guidelines, 2015. Collection method: clinical testing. Allele origin: germline.
Comment: The ACOX2 c.436C>T variant is predicted to result in premature protein termination (p.Gln146*). To our knowledge, this variant has not been reported in the literature in association with established ACOX2-related disease. This variant is reported in 0.0039% of alleles in individuals of European (Non-Finnish) descent in gnomAD. At this time, the clinical significance of this variant is uncertain due to the absence of conclusive functional and genetic evidence.

NM_003500.4(ACOX2):c.436C>T (p.Gln146Ter)

Gene: ACOX2 (acyl-CoA oxidase 2; minus strand). Cytogenetic location: 3p14.3.
Variant type: single nucleotide variant.
Coding change: c.436C>T on transcript NM_003500.4 (MANE Select); coding-DNA position 436, C replaced by T.
Protein change: p.Gln146Ter; replaces glutamine 146 with a stop codon.
Molecular consequence: nonsense.
Genome position (GRCh38, 1-based): chr3:58,534,033, G>A on the plus strand (C>T on the coding strand, the complement: ACOX2 is on the minus strand). VCF-style: chr3-58534033-G-A. GRCh37 (hg19) VCF-style: chr3-58519760-G-A.
Other names: short protein forms Q146*.
Identifiers: ClinVar variation 2629268 (VCV002629268.2), dbSNP rs149540578, ClinGen allele CA2472415.